The following is an entry in ClinVar:

NM_003124.5(SPR):c.472C>T (p.Leu158Phe)

Gene: SPR (sepiapterin reductase; plus strand). Cytogenetic location: 2p13.2.
Variant type: single nucleotide variant.
Coding change: c.472C>T on transcript NM_003124.5 (MANE Select); coding-DNA position 472, C replaced by T.
Protein change: p.Leu158Phe; replaces leucine 158 with phenylalanine.
Molecular consequence: missense variant.
Genome position (GRCh38, 1-based): chr2:72,888,481, C>T. VCF-style: chr2-72888481-C-T. GRCh37 (hg19) VCF-style: chr2-73115610-C-T.
Other names: short protein forms L158F.
Identifiers: ClinVar variation 1014515 (VCV001014515.8), dbSNP rs1382131975, ClinGen allele CA347231821.

ClinVar aggregate classification (germline): Uncertain significance (1 of 4 stars; one submission).

Conditions:
Dystonic disorder. Also called: Dystonia. Identifiers: MedGen C0013421, MONDO:0003441, HP:0001332.

Submission:

Labcorp Genetics (formerly Invitae), Labcorp
Classification: Uncertain significance for Dystonic disorder. Last evaluated: 2025-10-20. Review status: criteria provided, single submitter. Criteria: Invitae Variant Classification Sherloc (09022015). Collection method: clinical testing. Allele origin: germline.
Comment: This sequence change replaces leucine, which is neutral and non-polar, with phenylalanine, which is neutral and non-polar, at codon 158 of the SPR protein (p.Leu158Phe). This variant is not present in population databases (gnomAD no frequency). This variant has not been reported in the literature in individuals affected with SPR-related conditions. ClinVar contains an entry for this variant (Variation ID: 1014515). Invitae Evidence Modeling of protein sequence and biophysical properties (such as structural, functional, and spatial information, amino acid conservation, physicochemical variation, residue mobility, and thermodynamic stability) indicates that this missense variant is expected to disrupt SPR protein function with a positive predictive value of 80%. In summary, the available evidence is currently insufficient to determine the role of this variant in disease. Therefore, it has been classified as a Variant of Uncertain Significance.